The following is an entry in ClinVar:

ClinVar aggregate classification (germline): Uncertain significance (1 of 4 stars; one submission).

Conditions:
Hereditary cancer-predisposing syndrome. Also called: Hereditary Cancer Syndrome; Neoplastic Syndromes, Hereditary; Tumor predisposition; Hereditary neoplastic syndrome. Identifiers: Orphanet 140162, MedGen C0027672, MeSH D009386, MONDO:0015356.

Submission:

Ambry Genetics
Classification: Uncertain significance for Hereditary cancer-predisposing syndrome. Last evaluated: 2026-07-07. Review status: criteria provided, single submitter. Criteria: Ambry Variant Classification Scheme 2023. Collection method: clinical testing. Allele origin: germline.
Comment: The p.I1559L variant (also known as c.4675A>T), located in coding exon 22 of the DICER1 gene, results from an A to T substitution at nucleotide position 4675. The isoleucine at codon 1559 is replaced by leucine, an amino acid with highly similar properties. This amino acid position is conserved. In addition, the in silico prediction for this alteration is inconclusive. Based on the available evidence, the clinical significance of this variant remains unclear.

NM_177438.3(DICER1):c.4675A>T (p.Ile1559Leu)

Gene: DICER1 (dicer 1, ribonuclease III; minus strand). Cytogenetic location: 14q32.13.
Variant type: single nucleotide variant.
Coding change: c.4675A>T on transcript NM_177438.3 (MANE Select); coding-DNA position 4675, A replaced by T.
Protein change: p.Ile1559Leu; replaces isoleucine 1559 with leucine.
Molecular consequence: missense variant. On other transcripts: non-coding transcript variant (6).
Genome position (GRCh38, 1-based): chr14:95,096,245, T>A on the plus strand (A>T on the coding strand, the complement: DICER1 is on the minus strand). VCF-style: chr14-95096245-T-A. GRCh37 (hg19) VCF-style: chr14-95562582-T-A.
Other names: c.4675A>T, p.Ile1559Leu (NM_001271282.3, NM_001291628.2, NM_001395677.1 and 12 more transcripts); c.4393A>T, p.Ile1465Leu (NM_001395686.1); c.4270A>T, p.Ile1424Leu (NM_001395687.1, NM_001395688.1, NM_001395689.1 and 2 more transcripts); c.4108A>T, p.Ile1370Leu (NM_001395691.1); c.2992A>T, p.Ile998Leu (NM_001395697.1); short protein forms I1370L, I1465L, I1424L, I1559L, I998L.
Identifiers: ClinVar variation 5035276 (VCV005035276.1).